The following is an entry in ClinVar:

NM_001024630.4(RUNX2):c.336A>C (p.Glu112Asp)

Gene: RUNX2 (RUNX family transcription factor 2; plus strand). Cytogenetic location: 6p21.1.
Variant type: single nucleotide variant.
Coding change: c.336A>C on transcript NM_001024630.4 (MANE Select); coding-DNA position 336, A replaced by C.
Protein change: p.Glu112Asp; replaces glutamic acid 112 with aspartic acid.
Molecular consequence: missense variant.
Genome position (GRCh38, 1-based): chr6:45,422,870, A>C. VCF-style: chr6-45422870-A-C. GRCh37 (hg19) VCF-style: chr6-45390607-A-C.
Other names: c.336A>C, p.Glu112Asp (NM_001015051.4); c.294A>C, p.Glu98Asp (NM_001278478.2, NM_001369405.1); short protein forms E112D, E98D.
Identifiers: ClinVar variation 4872762 (VCV004872762.2).

ClinVar aggregate classification (germline): Uncertain significance (1 of 4 stars; one submission).

Submission:

CeGaT Center for Human Genetics Tuebingen
Classification: Uncertain significance. Last evaluated: 2026-06-01. Review status: criteria provided, single submitter. Criteria: CeGaT Center For Human Genetics Tuebingen Variant Classification Criteria Version 2. Collection method: clinical testing. Allele origin: germline. Affected: yes. Observed: 1 variant allele.
Comment: RUNX2: PM1, PM2, PP3